The following is an entry in ClinVar:

ClinVar aggregate classification (germline): Uncertain significance (1 of 4 stars; one submission).

Conditions:
Inborn genetic diseases. Identifiers: MedGen C0950123, MeSH D030342.

Allele frequency attached by ClinVar (database versions not stated): gnomAD exomes below 0.00001; TOPMed below 0.00001; ExAC 0.00001.
gnomAD v4.1: 1 of 1,613,716 alleles (0.000062%); highest among the groups gnomAD compares: Admixed American, 0.0017%; no homozygotes.

Submission:

Ambry Genetics
Classification: Uncertain significance for Inborn genetic diseases. Last evaluated: 2024-01-30. Review status: criteria provided, single submitter. Criteria: Ambry Variant Classification Scheme 2023. Collection method: clinical testing. Allele origin: germline.
Comment: The p.Q206E variant (also known as c.616C>G), located in coding exon 6 of the RAD51 gene, results from a C to G substitution at nucleotide position 616. The glutamine at codon 206 is replaced by glutamic acid, an amino acid with highly similar properties. This amino acid position is conserved. In addition, the in silico prediction for this alteration is inconclusive. Based on the available evidence, the clinical significance of this alteration remains unclear.

NM_002875.5(RAD51):c.616C>G (p.Gln206Glu)

Gene: RAD51 (RAD51 recombinase; plus strand). Cytogenetic location: 15q15.1.
Variant type: single nucleotide variant.
Coding change: c.616C>G on transcript NM_002875.5 (MANE Select); coding-DNA position 616, C replaced by G.
Protein change: p.Gln206Glu; replaces glutamine 206 with glutamic acid.
Molecular consequence: missense variant.
Genome position (GRCh38, 1-based): chr15:40,728,796, C>G. VCF-style: chr15-40728796-C-G. GRCh37 (hg19) VCF-style: chr15-41020994-C-G.
Other names: c.619C>G, p.Gln207Glu (NM_133487.4, NM_001164269.2); c.616C>G, p.Gln206Glu (NM_001164270.2); short protein forms Q206E, Q207E.
Identifiers: ClinVar variation 3222862 (VCV003222862.1), dbSNP rs759067637, ClinGen allele CA7484061.